The following is an entry in ClinVar:

NM_014846.4(WASHC5):c.1151-8G>A

Gene: WASHC5 (WASH complex subunit 5; minus strand). Cytogenetic location: 8q24.13.
Variant type: single nucleotide variant.
Coding change: c.1151-8G>A on transcript NM_014846.4 (MANE Select); 8 bases into the intron before coding-DNA position 1151, G replaced by A.
Molecular consequence: intron variant.
Genome position (GRCh38, 1-based): chr8:125,067,727, C>T on the plus strand (G>A on the coding strand, the complement: WASHC5 is on the minus strand). VCF-style: chr8-125067727-C-T. GRCh37 (hg19) VCF-style: chr8-126079969-C-T.
Other names: p.?; c.707-8G>A (NM_001330609.2).
Identifiers: ClinVar variation 361727 (VCV000361727.21), dbSNP rs16900335, ClinGen allele CA4873903.
Genomic context (GRCh38, chr8:125,067,727, plus strand): 5'-TGTTAGAATCTGGTCCTTGATTTGACGAAGGCGTTTGTTGTTTGGGTCACAGGCTAGAAA[C>T]AGGAAAAGTGTTACCTGCTTACTAAATGTGTAGAAAATATCTATGAAATAAGATAAATTA-3'

ClinVar aggregate classification (germline): Benign. Review status: criteria provided, multiple submitters, no conflicts (2 of 4 stars). 7 submissions from 7 submitters: Benign (6). 1 of the submissions does not count toward it. Last evaluated 2026-01-20.

Conditions:
WASHC5-related disorder. Also called: WASHC5-related condition.
Hereditary spastic paraplegia. Also called: Familial spastic paraparesis. Identifiers: Orphanet 685, MedGen C0037773, MONDO:0019064. Disease mechanism: loss of function.
Hereditary spastic paraplegia 8 (SPG8). Also called: SPASTIC PARAPLEGIA 8, AUTOSOMAL DOMINANT. Identifiers: Orphanet 100989, MedGen C1863704, MONDO:0011339, OMIM 603563.
Ritscher-Schinzel syndrome. Also called: CRANIOCEREBELLOCARDIAC DYSPLASIA. Identifiers: Orphanet 7, MedGen C0796137, MONDO:0019078.

Allele frequency attached by ClinVar (database versions not stated): gnomAD exomes 0.00688 and 0.00232; ExAC 0.00860; gnomAD 0.02839 and 0.02657; TOPMed 0.02917; 1000 Genomes Project 0.03195; ESP Exome Variant Server 0.02760; 1000 Genomes Project 30x 0.03482.
gnomAD v4.1: 7,587 of 1,613,160 alleles (0.47%); highest among the groups gnomAD compares: African/African-American, 9%; 313 homozygotes.

Submissions (7):

Labcorp Genetics (formerly Invitae), Labcorp
Classification: Benign for Ritscher-Schinzel syndrome; Hereditary spastic paraplegia 8. Last evaluated: 2026-01-20. Review status: criteria provided, single submitter. Criteria: Invitae Variant Classification Sherloc (09022015). Collection method: clinical testing. Allele origin: germline.

Genome Diagnostics Laboratory, The Hospital for Sick Children
Classification: Benign for Hereditary spastic paraplegia. Last evaluated: 2022-01-17. Review status: criteria provided, single submitter. Criteria: ACMG Guidelines, 2015. Collection method: clinical testing. Allele origin: germline. Affected: yes.

Illumina Laboratory Services, Illumina
Classification: Benign for Hereditary spastic paraplegia 8. Last evaluated: 2018-01-13. Review status: criteria provided, single submitter. Criteria: ICSL Variant Classification Criteria 13 December 2019. Collection method: clinical testing. Allele origin: germline.
Comment: This variant was observed in the ICSL laboratory as part of a predisposition screen in an ostensibly healthy population. It had not been previously curated by ICSL or reported in the Human Gene Mutation Database (HGMD: prior to June 1st, 2018), and was therefore a candidate for classification through an automated scoring system. Utilizing variant allele frequency, disease prevalence and penetrance estimates, and inheritance mode, an automated score was calculated to assess if this variant is too frequent to cause the disease. Based on the score and internal cut-off values, a variant classified as benign is not then subjected to further curation. The score for this variant resulted in a classification of benign for this disease.

Athena Diagnostics
Classification: Benign. Last evaluated: 2017-12-30. Review status: criteria provided, single submitter. Criteria: Athena Diagnostics Criteria. Collection method: clinical testing. Allele origin: germline.

GeneDx
Classification: Benign. Last evaluated: 2016-10-24. Review status: criteria provided, single submitter. Criteria: GeneDx Variant Classification (06012015). Collection method: clinical testing. Allele origin: germline. Affected: yes.
Comment: This variant is considered likely benign or benign based on one or more of the following criteria: it is a conservative change, it occurs at a poorly conserved position in the protein, it is predicted to be benign by multiple in silico algorithms, and/or has population frequency not consistent with disease.

Mayo Clinic Laboratories, Mayo Clinic
Classification: Benign. Last evaluated: 2016-05-23. Review status: criteria provided, single submitter. Criteria: ACMG Guidelines, 2015. Collection method: clinical testing. Allele origin: germline. Observed: 13 variant alleles.

PreventionGenetics, part of Exact Sciences
Classification: Benign for WASHC5-related condition. Last evaluated: 2019-08-07. Review status: no assertion criteria provided. Collection method: clinical testing. Allele origin: germline. Not counted in ClinVar's aggregate classification.
Comment: This variant is classified as benign based on ACMG/AMP sequence variant interpretation guidelines (Richards et al. 2015 PMID: 25741868, with internal and published modifications).